The following is an entry in ClinVar:

ClinVar aggregate classification (germline): Benign/Likely benign. Review status: criteria provided, multiple submitters, no conflicts (2 of 4 stars). 4 submissions from 4 submitters: Benign (1); Likely benign (2). 1 of the submissions does not count toward it. Last evaluated 2025-07-30.

Conditions:
DYNC1H1-related disorder. Also called: DYNC1H1-related condition; DYNC1H1-related disorders. Identifiers: MedGen CN381529.
Charcot-Marie-Tooth disease axonal type 2O. Also called: Charcot-Marie-Tooth disease, axonal, type 20; CHARCOT-MARIE-TOOTH NEUROPATHY, AXONAL, TYPE 2O; CHARCOT-MARIE-TOOTH DISEASE, AXONAL, AUTOSOMAL DOMINANT, TYPE 2O; Charcot-Marie-Tooth Neuropathy Type 2O. Identifiers: Orphanet 284232, MedGen C3280220, MONDO:0013644, OMIM 614228.

Allele frequency attached by ClinVar (database versions not stated): gnomAD exomes 0.00004; ExAC 0.00007; gnomAD 0.00015 and 0.00017; TOPMed 0.00015.
gnomAD v4.1: 48 of 1,608,604 alleles (0.003%); highest among the groups gnomAD compares: African/African-American, 0.043%; no homozygotes.

Submissions (4):

Labcorp Genetics (formerly Invitae), Labcorp
Classification: Benign for Charcot-Marie-Tooth disease axonal type 2O. Last evaluated: 2025-07-30. Review status: criteria provided, single submitter. Criteria: Invitae Variant Classification Sherloc (09022015). Collection method: clinical testing. Allele origin: germline.

CeGaT Center for Human Genetics Tuebingen
Classification: Likely benign. Last evaluated: 2023-01-01. Review status: criteria provided, single submitter. Criteria: CeGaT Center For Human Genetics Tuebingen Variant Classification Criteria Version 2. Collection method: clinical testing. Allele origin: germline. Affected: yes. Observed: 1 variant allele.
Comment: DYNC1H1: BP4, BP7

GeneDx
Classification: Likely benign. Last evaluated: 2020-01-29. Review status: criteria provided, single submitter. Criteria: GeneDx Variant Classification Process June 2021. Collection method: clinical testing. Allele origin: germline. Affected: yes.

PreventionGenetics, part of Exact Sciences
Classification: Likely benign for DYNC1H1-related condition. Last evaluated: 2024-09-09. Review status: no assertion criteria provided. Collection method: clinical testing. Allele origin: germline. Not counted in ClinVar's aggregate classification.
Comment: This variant is classified as likely benign based on ACMG/AMP sequence variant interpretation guidelines (Richards et al. 2015 PMID: 25741868, with internal and published modifications).

NM_001376.5(DYNC1H1):c.13683G>A (p.Thr4561=)

Gene: DYNC1H1 (dynein cytoplasmic 1 heavy chain 1; plus strand). Cytogenetic location: 14q32.31.
Variant type: single nucleotide variant.
Coding change: c.13683G>A on transcript NM_001376.5 (MANE Select); coding-DNA position 13683, G replaced by A.
Protein change: p.Thr4561=; no amino-acid change (threonine 4561 retained).
Molecular consequence: synonymous variant.
Genome position (GRCh38, 1-based): chr14:102,049,881, G>A. VCF-style: chr14-102049881-G-A. GRCh37 (hg19) VCF-style: chr14-102516218-G-A.
Identifiers: ClinVar variation 657853 (VCV000657853.33), dbSNP rs192742245, ClinGen allele CA7354302.
Genomic context (GRCh38, chr14:102,049,881, plus strand): 5'-GGAAGTCAACGTCACCACCTCACAGGGCGCCACCCTTGACGCTTGCAGCTTCGGAGTCAC[G>A]GGTGAGTGGAGTCTCACAGAAAATACTGGCTCTTTGCAGGTGACCTCGGTGGCCTGAGAC-3'
Protein context (NP_001367.2, residues 4551-4571): ATLDACSFGV[Thr4561=]GLKLQGATCN